The following is an entry in ClinVar:

NM_000551.4(VHL):c.637G>T (p.Asp213Tyr)

Genes: VHL (von Hippel-Lindau tumor suppressor; plus strand), LOC107303340 (3p25 von Hippel-Lindau tumor suppressor, E3 ubiquitin protein ligase Alu-mediated recombination region; plus strand). Cytogenetic location: 3p25.3.
Variant type: single nucleotide variant.
Coding change: c.637G>T on transcript NM_000551.4 (MANE Select); coding-DNA position 637, G replaced by T.
Protein change: p.Asp213Tyr; replaces aspartic acid 213 with tyrosine.
Molecular consequence: missense variant. On other transcripts: 3 prime UTR variant (1), non-coding transcript variant (1).
Genome position (GRCh38, 1-based): chr3:10,149,960, G>T. VCF-style: chr3-10149960-G-T. GRCh37 (hg19) VCF-style: chr3-10191644-G-T.
Other names: c.*191G>T (NM_001354723.2); c.514G>T, p.Asp172Tyr (NM_198156.3); short protein forms D172Y, D213Y.
Identifiers: ClinVar variation 3979704 (VCV003979704.2).
Genomic context (GRCh38, chr3:10,149,960, plus strand): 5'-AATGTGCAGAAAGACCTGGAGCGGCTGACACAGGAGCGCATTGCACATCAACGGATGGGA[G>T]ATTGAAGATTTCTGTTGAAACTTACACTGTTTCATCTCAGCTTTTGATGGTACTGATGAG-3'
Protein context (NP_000542.1, residues 203-213): QERIAHQRMG[Asp213Tyr]

ClinVar aggregate classification (germline): Conflicting classifications of pathogenicity. Review status: criteria provided, conflicting classifications (1 of 4 stars). 2 submissions from 2 submitters: Uncertain significance (1); Likely benign (1). Last evaluated 2025-10-18.

Conditions:
Hereditary cancer-predisposing syndrome. Also called: Tumor predisposition; Neoplastic Syndromes, Hereditary; Hereditary Cancer Syndrome; Hereditary neoplastic syndrome. Identifiers: Orphanet 140162, MedGen C0027672, MeSH D009386, MONDO:0015356.
Von Hippel-Lindau syndrome (VHLS). Also called: Von Hippel-Lindau; von Hippel–Lindau syndrome; VHL syndrome. Identifiers: Orphanet 892, MedGen C0019562, MONDO:0008667, OMIM 193300. Disease mechanism: loss of function.
Chuvash polycythemia. Also called: POLYCYTHEMIA, VHL-DEPENDENT. Identifiers: Orphanet 238557, MedGen C1837915, MONDO:0009892, OMIM 263400.

Submissions (2):

Labcorp Genetics (formerly Invitae), Labcorp
Classification: Uncertain significance for Von Hippel-Lindau syndrome; Chuvash polycythemia. Last evaluated: 2025-10-18. Review status: criteria provided, single submitter. Criteria: Invitae Variant Classification Sherloc (09022015). Collection method: clinical testing. Allele origin: germline.
Comment: This sequence change replaces aspartic acid, which is acidic and polar, with tyrosine, which is neutral and polar, at codon 213 of the VHL protein (p.Asp213Tyr). This variant is not present in population databases (gnomAD no frequency). This variant has not been reported in the literature in individuals affected with VHL-related conditions. ClinVar contains an entry for this variant (Variation ID: 3979704). Invitae Evidence Modeling of protein sequence and biophysical properties (such as structural, functional, and spatial information, amino acid conservation, physicochemical variation, residue mobility, and thermodynamic stability) has been performed for this missense variant. However, the output from this modeling did not meet the statistical confidence thresholds required to predict the impact of this variant on VHL protein function. In summary, the available evidence is currently insufficient to determine the role of this variant in disease. Therefore, it has been classified as a Variant of Uncertain Significance.

Ambry Genetics
Classification: Likely benign for Hereditary cancer-predisposing syndrome. Last evaluated: 2025-05-06. Review status: criteria provided, single submitter. Criteria: Ambry Variant Classification Scheme 2023. Collection method: clinical testing. Allele origin: germline.

Literature cited by the submitters: PubMed 38969834 (cited by Ambry Genetics).